The following is an entry in ClinVar:

NM_004385.5(VCAN):c.4555G>A (p.Ala1519Thr)

Genes: VCAN (versican; plus strand), VCAN-AS1 (VCAN antisense RNA 1; minus strand). Cytogenetic location: 5q14.3.
Variant type: single nucleotide variant.
Coding change: c.4555G>A on transcript NM_004385.5 (MANE Select); coding-DNA position 4555, G replaced by A.
Protein change: p.Ala1519Thr; replaces alanine 1519 with threonine.
Molecular consequence: missense variant. On other transcripts: intron variant (2).
Genome position (GRCh38, 1-based): chr5:83,537,558, G>A. VCF-style: chr5-83537558-G-A. GRCh37 (hg19) VCF-style: chr5-82833377-G-A.
Other names: c.1594G>A, p.Ala532Thr (NM_001164097.2); c.4004-7979G>A (NM_001164098.2); c.1043-7979G>A (NM_001126336.3); short protein forms A1519T, A532T.
Identifiers: ClinVar variation 4722934 (VCV004722934.1).

ClinVar aggregate classification (germline): Uncertain significance (1 of 4 stars; one submission).

gnomAD v4.1: 1 of 1,613,832 alleles (0.000062%); no homozygotes.

Submission:

Labcorp Genetics (formerly Invitae), Labcorp
Classification: Uncertain significance. Last evaluated: 2025-07-14. Review status: criteria provided, single submitter. Criteria: Invitae Variant Classification Sherloc (09022015). Collection method: clinical testing. Allele origin: germline.
Comment: This sequence change replaces alanine, which is neutral and non-polar, with threonine, which is neutral and polar, at codon 1519 of the VCAN protein (p.Ala1519Thr). This variant is present in population databases (rs773267741, gnomAD 0.01%). This variant has not been reported in the literature in individuals affected with VCAN-related conditions. An algorithm developed to predict the effect of missense changes on protein structure and function outputs the following: PolyPhen-2: "Benign". The threonine amino acid residue is found in multiple mammalian species, which suggests that this missense change does not adversely affect protein function. In summary, the available evidence is currently insufficient to determine the role of this variant in disease. Therefore, it has been classified as a Variant of Uncertain Significance.